The following is an entry in ClinVar:

ClinVar aggregate classification (germline): Conflicting classifications of pathogenicity. Review status: criteria provided, conflicting classifications (1 of 4 stars). 3 submissions from 3 submitters: Likely pathogenic (1); Uncertain significance (2). Last evaluated 2025-12-02.

Conditions:
Bardet-Biedl syndrome (BBS). Identifiers: Orphanet 110, MedGen C0752166, MONDO:0015229.
BBS2-related disorder. Also called: BBS2-related condition; BBS2-related disorders. Identifiers: MedGen CN239228.

Submissions (3):

PreventionGenetics, part of Exact Sciences
Classification: Uncertain significance for BBS2-related condition. Last evaluated: 2025-12-02. Review status: criteria provided, single submitter. Criteria: ACMG Guidelines, 2015. Collection method: clinical testing. Allele origin: germline.
Comment: The BBS2 c.23T>C variant is predicted to result in the amino acid substitution p.Leu8Pro. To our knowledge, this variant has not been reported in the literature or in a large population database (gnomAD), indicating this variant is rare. At this time, the clinical significance of this variant is uncertain due to the absence of conclusive functional and genetic evidence.

Labcorp Genetics (formerly Invitae), Labcorp
Classification: Likely pathogenic for Bardet-Biedl syndrome. Last evaluated: 2025-01-31. Review status: criteria provided, single submitter. Criteria: Invitae Variant Classification Sherloc (09022015). Collection method: clinical testing. Allele origin: germline.
Comment: This sequence change replaces leucine, which is neutral and non-polar, with proline, which is neutral and non-polar, at codon 8 of the BBS2 protein (p.Leu8Pro). This variant is not present in population databases (gnomAD no frequency). This missense change has been observed in individual(s) with clinical features of Bardet-Biedl syndrome (internal data). In at least one individual the data is consistent with being in trans (on the opposite chromosome) from a pathogenic variant. Invitae Evidence Modeling of protein sequence and biophysical properties (such as structural, functional, and spatial information, amino acid conservation, physicochemical variation, residue mobility, and thermodynamic stability) indicates that this missense variant is expected to disrupt BBS2 protein function with a positive predictive value of 80%. In summary, the currently available evidence indicates that the variant is pathogenic, but additional data are needed to prove that conclusively. Therefore, this variant has been classified as Likely Pathogenic.

Blueprint Genetics
Classification: Uncertain significance. Last evaluated: 2018-08-09. Review status: criteria provided, single submitter. Criteria: ACMG Guidelines, 2015. Collection method: clinical testing. Allele origin: germline.

NM_031885.5(BBS2):c.23T>C (p.Leu8Pro)

Gene: BBS2 (Bardet-Biedl syndrome 2; minus strand). Cytogenetic location: 16q13.
Variant type: single nucleotide variant.
Coding change: c.23T>C on transcript NM_031885.5 (MANE Select); coding-DNA position 23, T replaced by C.
Protein change: p.Leu8Pro; replaces leucine 8 with proline.
Molecular consequence: missense variant. On other transcripts: non-coding transcript variant (5).
Genome position (GRCh38, 1-based): chr16:56,519,840, A>G on the plus strand (T>C on the coding strand, the complement: BBS2 is on the minus strand). VCF-style: chr16-56519840-A-G. GRCh37 (hg19) VCF-style: chr16-56553752-A-G.
Other names: c.23T>C, p.Leu8Pro (NM_001377456.1); c.23T>C (NM_031885.3); short protein forms L8P.
Identifiers: ClinVar variation 3709711 (VCV003709711.4).
Genomic context (GRCh38, chr16:56,519,840, plus strand): 5'-TGAGTCCCGTCGTAGCGCCCTATGGCCACCATTCGGGGGCTGATTTTGTGGCGCAGTTTC[A>G]GGGTGAACACAGGCAGCAGCATGATGGCGGCGGCTTAGGGGAGGAGGGCTGGAAGCTGGA-3'
Protein context (NP_114091.4, residues 1-18): MLLPVFT[Leu8Pro]KLRHKISPRM